The following is an entry in ClinVar:

NM_001127.4(AP1B1):c.2656G>A (p.Ala886Thr)

Gene: AP1B1 (adaptor related protein complex 1 subunit beta 1; minus strand). Cytogenetic location: 22q12.2.
Variant type: single nucleotide variant.
Coding change: c.2656G>A on transcript NM_001127.4 (MANE Select); coding-DNA position 2656, G replaced by A.
Protein change: p.Ala886Thr; replaces alanine 886 with threonine.
Molecular consequence: missense variant.
Genome position (GRCh38, 1-based): chr22:29,330,488, C>T on the plus strand (G>A on the coding strand, the complement: AP1B1 is on the minus strand). VCF-style: chr22-29330488-C-T. GRCh37 (hg19) VCF-style: chr22-29726477-C-T.
Other names: c.2575G>A, p.Ala859Thr (NM_001166019.2); c.2656G>A, p.Ala886Thr (NM_001378562.1); c.2635G>A, p.Ala879Thr (NM_001378563.1, NM_145730.3); c.2485G>A, p.Ala829Thr (NM_001378564.1); c.2464G>A, p.Ala822Thr (NM_001378565.1); c.2449G>A, p.Ala817Thr (NM_001378566.1); short protein forms A859T, A817T, A822T, A879T, A886T, A829T.
Identifiers: ClinVar variation 4977281 (VCV004977281.1).

ClinVar aggregate classification (germline): Uncertain significance (1 of 4 stars; one submission).

Conditions:
AP1B1-related disorder. Also called: AP1B1-related condition.

gnomAD v4.1: 128 of 1,613,236 alleles (0.0079%); highest among the groups gnomAD compares: African/African-American, 0.027%; no homozygotes.

Submission:

PreventionGenetics, part of Exact Sciences
Classification: Uncertain significance for AP1B1-related condition. Last evaluated: 2025-02-01. Review status: criteria provided, single submitter. Criteria: ACMG Guidelines, 2015. Collection method: clinical testing. Allele origin: germline.
Comment: The AP1B1 c.2656G>A variant is predicted to result in the amino acid substitution p.Ala886Thr. To our knowledge, this variant has not been reported in the literature. This variant is reported in 0.096% of alleles in individuals of European (Finnish) descent in gnomAD. Although we suspect that this variant may be benign, at this time, the clinical significance of this variant is uncertain due to the absence of conclusive functional and genetic evidence.